The following is an entry in ClinVar:

ClinVar aggregate classification (germline): Uncertain significance. Review status: reviewed by expert panel (3 of 4 stars). 3 submissions from 3 submitters: Uncertain significance (1). 2 of the submissions do not count toward it. Last evaluated 2024-05-09.

Conditions:
Monogenic diabetes. Identifiers: Orphanet 183625, MedGen C3888631, MONDO:0015967.
Maturity-onset diabetes of the young (MODY). Also called: Maturity onset diabetes mellitus in young. Identifiers: Orphanet 552, MedGen C0342276, MONDO:0018911, HP:0004904.

Submissions (3):

ClinGen Monogenic Diabetes Variant Curation Expert Panel
Classification: Uncertain significance for Monogenic diabetes. Last evaluated: 2024-05-09. Review status: reviewed by expert panel. Criteria: ClinGen Diabetes ACMG Specifications HNF4A V2.0.0. Collection method: curation. Allele origin: germline. Inheritance: Autosomal dominant inheritance.
Comment: The c.670+5G>C variant in the hepatocyte nuclear factor 4 alpha gene, HNF4A, is a single nucleotide variant within intron 6 of NM_175914.5. The computational splicing predictor SpliceAI gives a score of 0.72 for donor gain, predicting that the variant disrupts the donor site of intron 6 of HNF4A (PP3). This variant is absent in gnomAD v2.1.1 (PM2_Supporting), and was identified in an individual with diabetes; however, the MODY probability is unable to be calculated due to lack of clinical information (ClinVar ID: 586020). In summary, c.670+5G>C meets the criteria to be classified as a variant of uncertain significance for monogenic diabetes. ACMG/AMP criteria applied, as specified by the ClinGen MDEP (specification version 2.0.0, approved 10/11/2023): PP3, PM2_Supporting.

Athena Diagnostics
Classification: Uncertain significance. Last evaluated: 2018-07-20. Review status: criteria provided, single submitter. Criteria: Athena Diagnostics Criteria. Collection method: clinical testing. Allele origin: germline. Not counted in ClinVar's aggregate classification.

Clinical Genomics, Uppaluri K&H Personalized Medicine Clinic
Classification: Uncertain significance for Maturity-onset diabetes of the young. Review status: criteria provided, single submitter. Criteria: K & H Uppaluri Personalized Medicine Clinic Variant Classification & Assertion Criteria_Updated V.1. Collection method: research. Allele origin: unknown. Inheritance: Autosomal dominant inheritance. Not counted in ClinVar's aggregate classification.
Comment: Potent mutations in HNF4A are associated with poor insulin secretion in response to hyperglycemia. Associated with MODY1. Patients initially respond well to sulfonylureas but eventually become insulin dependent. However, more evidence is required to ascertain the role of this particular variant rs1568735505 in MODY, yet.

Literature cited by the submitters: PubMed 18268044 (cited by Clinical Genomics, Uppaluri K&H Personalized Medicine Clinic); PubMed 17563455 (cited by Clinical Genomics, Uppaluri K&H Personalized Medicine Clinic); PubMed 32583173 (cited by Clinical Genomics, Uppaluri K&H Personalized Medicine Clinic); PubMed 35052457 (cited by Clinical Genomics, Uppaluri K&H Personalized Medicine Clinic); PubMed 35118593 (cited by Clinical Genomics, Uppaluri K&H Personalized Medicine Clinic); DOI 10.1159/000334532 (cited by Clinical Genomics, Uppaluri K&H Personalized Medicine Clinic).

NM_175914.5(HNF4A):c.670+5G>C

Gene: HNF4A (hepatocyte nuclear factor 4 alpha; plus strand). Cytogenetic location: 20q13.12.
Variant type: single nucleotide variant.
Coding change: c.670+5G>C on transcript NM_175914.5 (MANE Select); 5 bases into the intron after coding-DNA position 670, G replaced by C.
Molecular consequence: intron variant.
Genome position (GRCh38, 1-based): chr20:44,418,517, G>C. VCF-style: chr20-44418517-G-C. GRCh37 (hg19) VCF-style: chr20-43047157-G-C.
Other names: c.661+5G>C (NM_001287182.2, NM_001287183.2, NM_001287184.2); c.670+5G>C (NM_001030003.3, NM_001030004.3); c.715+5G>C (NM_001258355.2); c.736+5G>C (NM_178849.3, NM_000457.6, NM_178850.3).
Identifiers: ClinVar variation 586020 (VCV000586020.3), dbSNP rs1568735505, ClinGen allele CA891844332.